The following is an entry in ClinVar:

ClinVar aggregate classification (germline): Uncertain significance (1 of 4 stars; one submission).

Conditions:
Ichthyosis linearis circumflexa. Identifiers: MedGen C0265962, MONDO:0043106, HP:0025810.

Allele frequency attached by ClinVar (database versions not stated): TOPMed 0.00001; gnomAD exomes 0.00006.
gnomAD v4.1: 85 of 1,614,074 alleles (0.0053%); highest among the groups gnomAD compares: Non-Finnish European, 0.0071%; no homozygotes.

Submission:

Labcorp Genetics (formerly Invitae), Labcorp
Classification: Uncertain significance for Ichthyosis linearis circumflexa. Last evaluated: 2022-05-31. Review status: criteria provided, single submitter. Criteria: Invitae Variant Classification Sherloc (09022015). Collection method: clinical testing. Allele origin: germline.
Comment: This sequence change replaces methionine, which is neutral and non-polar, with leucine, which is neutral and non-polar, at codon 877 of the SPINK5 protein (p.Met877Leu). This variant is present in population databases (no rsID available, gnomAD 0.003%). This variant has not been reported in the literature in individuals affected with SPINK5-related conditions. Algorithms developed to predict the effect of missense changes on protein structure and function (SIFT, PolyPhen-2, Align-GVGD) all suggest that this variant is likely to be tolerated. In summary, the available evidence is currently insufficient to determine the role of this variant in disease. Therefore, it has been classified as a Variant of Uncertain Significance.

NM_006846.4(SPINK5):c.2629A>C (p.Met877Leu)

Gene: SPINK5 (serine peptidase inhibitor Kazal type 5; plus strand). Cytogenetic location: 5q32.
Variant type: single nucleotide variant.
Coding change: c.2629A>C on transcript NM_006846.4 (MANE Select); coding-DNA position 2629, A replaced by C.
Protein change: p.Met877Leu; replaces methionine 877 with leucine.
Molecular consequence: missense variant.
Genome position (GRCh38, 1-based): chr5:148,123,923, A>C. VCF-style: chr5-148123923-A-C. GRCh37 (hg19) VCF-style: chr5-147503486-A-C.
Other names: c.2629A>C, p.Met877Leu (NM_001127698.2, NM_001127699.2); short protein forms M877L.
Identifiers: ClinVar variation 2421116 (VCV002421116.7), dbSNP rs941337873, ClinGen allele CA128939905.